The following is an entry in ClinVar:

NM_000384.3(APOB):c.5081A>G (p.Asn1694Ser)

Gene: APOB (apolipoprotein B; minus strand). Cytogenetic location: 2p24.1.
Variant type: single nucleotide variant.
Coding change: c.5081A>G on transcript NM_000384.3 (MANE Select); coding-DNA position 5081, A replaced by G.
Protein change: p.Asn1694Ser; replaces asparagine 1694 with serine.
Molecular consequence: missense variant.
Genome position (GRCh38, 1-based): chr2:21,011,787, T>C on the plus strand (A>G on the coding strand, the complement: APOB is on the minus strand). VCF-style: chr2-21011787-T-C. GRCh37 (hg19) VCF-style: chr2-21234659-T-C.
Other names: c.5081A>G (NM_000384.2); short protein forms N1694S.
Identifiers: ClinVar variation 2933551 (VCV002933551.4), dbSNP rs765848794, ClinGen allele CA061626.

ClinVar aggregate classification (germline): Conflicting classifications of pathogenicity. Review status: criteria provided, conflicting classifications (1 of 4 stars). 2 submissions from 2 submitters: Uncertain significance (1); Benign (1). Last evaluated 2025-08-12.

Conditions:
Cardiovascular phenotype. Identifiers: MedGen CN230736.
Familial hypobetalipoproteinemia 1. Also called: APOB-Related Familial Hypobetalipoproteinemia; Hypobetalipoproteinemia, normotriglyceridemic; Acanthocytosis with hypobetalipoproteinemia. Identifiers: MedGen C4551990, MONDO:0014252, OMIM 615558.
Hypercholesterolemia, autosomal dominant, type B (FHCL2). Also called: Familial Hypercholesterolemia Type B; APOLIPOPROTEIN B-100, FAMILIAL DEFECTIVE; APOLIPOPROTEIN B-100, FAMILIAL LIGAND-DEFECTIVE; HYPERCHOLESTEROLEMIA, FAMILIAL, DUE TO LIGAND-DEFECTIVE APOLIPOPROTEIN B; Hyperlipoproteinemia Type IIb; Familial hypercholesterolemia 2. Identifiers: MedGen C1704417, MONDO:0007751, OMIM 144010.

Allele frequency attached by ClinVar (database versions not stated): gnomAD 0.00001; gnomAD exomes 0.00001; TOPMed 0.00001; ExAC 0.00003.
gnomAD v4.1: 13 of 1,614,004 alleles (0.00081%); highest among the groups gnomAD compares: Admixed American, 0.0033%; no homozygotes.

Submissions (2):

Ambry Genetics
Classification: Uncertain significance for Cardiovascular phenotype. Last evaluated: 2025-08-12. Review status: criteria provided, single submitter. Criteria: Ambry Variant Classification Scheme 2023. Collection method: clinical testing. Allele origin: germline.
Comment: The p.N1694S variant (also known as c.5081A>G), located in coding exon 26 of the APOB gene, results from an A to G substitution at nucleotide position 5081. The asparagine at codon 1694 is replaced by serine, an amino acid with highly similar properties. This amino acid position is conserved. In addition, this alteration is predicted to be tolerated by in silico analysis. Based on the available evidence, the clinical significance of this variant remains unclear.

Labcorp Genetics (formerly Invitae), Labcorp
Classification: Benign for Familial hypobetalipoproteinemia 1; Hypercholesterolemia, autosomal dominant, type B. Last evaluated: 2025-05-08. Review status: criteria provided, single submitter. Criteria: Invitae Variant Classification Sherloc (09022015). Collection method: clinical testing. Allele origin: germline.